The following is an entry in ClinVar:

NM_000263.4(NAGLU):c.219_237del (p.Arg74fs)

Genes: NAGLU (N-acetyl-alpha-glucosaminidase; plus strand), LOC130060903 (ATAC-STARR-seq lymphoblastoid silent region 8533; plus strand). Cytogenetic location: 17q21.2.
Variant type: Deletion.
Coding change: c.219_237del on transcript NM_000263.4 (MANE Select); coding-DNA positions 219 to 237, 19 bases deleted (GCGCGTGCGGGTGCGCGGC).
Protein change: p.Arg74fs; shifts the reading frame from arginine 74.
Molecular consequence: frameshift variant.
Genome position (GRCh38, 1-based): chr17:42,536,491-42,536,509, GCGCGTGCGGGTGCGCGGC deleted; deleting any 19 consecutive bases within chr17:42,536,484-42,536,509 gives the same sequence; the c. name uses the placement nearest the transcript's 3' end. VCF-style (leftmost placement, unchanged base first): chr17-42536483-GGCGCGGCGCGCGTGCGGGT-G. GRCh37 (hg19) VCF-style: chr17-40688501-GGCGCGGCGCGCGTGCGGGT-G.
Other names: short protein forms R74fs.
Identifiers: ClinVar variation 554876 (VCV000554876.13), dbSNP rs1431589133, ClinGen allele CA626218536.
Genomic context (GRCh38, chr17:42,536,483, plus strand): 5'-TCGGTGGAGCGCGCTCTGGCTGCCAAGCCGGGCTTGGACACCTACAGCCTGGGCGGCGGC[GGCGCGGCGCGCGTGCGGGT>G]GCGCGGCTCCACGGGCGTGGCGGCCGCCGCGGGGCTGCACCGCTACCTGCGCGACTTCTG-3'

ClinVar aggregate classification (germline): Pathogenic. Review status: criteria provided, multiple submitters, no conflicts (2 of 4 stars). 3 submissions from 3 submitters: Pathogenic (2). 1 of the submissions does not count toward it. Last evaluated 2023-09-01.

Conditions:
Mucopolysaccharidosis, MPS-III-B (MPS3B). Also called: SANFILIPPO SYNDROME B; MPS III B; MUCOPOLYSACCHARIDOSIS, TYPE IIIB; Mucopolysaccharidosis type IIIB (Sanfilippo B); MPS IIIB (Sanfilippo Syndrome Type B); N-ACETYL-ALPHA-D-GLUCOSAMINIDASE DEFICIENCY. Identifiers: Orphanet 79270, MedGen C0086648, MONDO:0009656, OMIM 252920.
Charcot-Marie-Tooth disease axonal type 2V. Also called: CHARCOT-MARIE-TOOTH NEUROPATHY, TYPE 2V; CHARCOT-MARIE-TOOTH DISEASE, AXONAL, AUTOSOMAL DOMINANT, TYPE 2V. Identifiers: Orphanet 447964, MedGen C5569050, MONDO:0014665, OMIM 616491.

Submissions (3):

Labcorp Genetics (formerly Invitae), Labcorp
Classification: Pathogenic for Charcot-Marie-Tooth disease axonal type 2V; Mucopolysaccharidosis, MPS-III-B. Last evaluated: 2023-09-01. Review status: criteria provided, single submitter. Criteria: Invitae Variant Classification Sherloc (09022015). Collection method: clinical testing. Allele origin: germline.
Comment: For these reasons, this variant has been classified as Pathogenic. ClinVar contains an entry for this variant (Variation ID: 554876). This premature translational stop signal has been observed in individual(s) with NAGLU-related conditions (PMID: 9832037). This variant is present in population databases (no rsID available, gnomAD 0.02%). This sequence change creates a premature translational stop signal (p.Arg74Profs*42) in the NAGLU gene. It is expected to result in an absent or disrupted protein product. Loss-of-function variants in NAGLU are known to be pathogenic (PMID: 9832037, 10094189, 16151907).

Institute of Human Genetics, University of Leipzig Medical Center
Classification: Pathogenic for Mucopolysaccharidosis, MPS-III-B. Last evaluated: 2022-02-25. Review status: criteria provided, single submitter. Criteria: ACMG Guidelines, 2015. Collection method: clinical testing. Allele origin: maternal. Inheritance: Autosomal recessive inheritance. Affected: yes.

Counsyl
Classification: Likely pathogenic for Mucopolysaccharidosis, MPS-III-B. Last evaluated: 2017-11-08. Review status: no assertion criteria provided. Collection method: clinical testing. Allele origin: unknown. Not counted in ClinVar's aggregate classification.

Literature cited by the submitters: PubMed 9832037 (cited by Labcorp Genetics (formerly Invitae), Labcorp and Counsyl); PubMed 10094189 (cited by Labcorp Genetics (formerly Invitae), Labcorp); PubMed 16151907 (cited by Labcorp Genetics (formerly Invitae), Labcorp).